The following is an entry in ClinVar:

NM_001370259.2(MEN1):c.190C>A (p.Gln64Lys)

Gene: MEN1 (menin 1; minus strand). Cytogenetic location: 11q13.1.
Variant type: single nucleotide variant.
Coding change: c.190C>A on transcript NM_001370259.2 (MANE Select); coding-DNA position 190, C replaced by A.
Protein change: p.Gln64Lys; replaces glutamine 64 with lysine.
Molecular consequence: missense variant. On other transcripts: non-coding transcript variant (4).
Genome position (GRCh38, 1-based): chr11:64,809,920, G>T on the plus strand (C>A on the coding strand, the complement: MEN1 is on the minus strand). VCF-style: chr11-64809920-G-T. GRCh37 (hg19) VCF-style: chr11-64577392-G-T.
Other names: c.190C>A, p.Gln64Lys (NM_000244.4, NM_001370251.2, NM_001370260.2 and 20 more transcripts); short protein forms Q64K.
Identifiers: ClinVar variation 2902142 (VCV002902142.4), dbSNP rs1592659770, ClinGen allele CA381187682.

ClinVar aggregate classification (germline): Uncertain significance. Review status: criteria provided, multiple submitters, no conflicts (2 of 4 stars). 2 submissions from 2 submitters: Uncertain significance (2). Last evaluated 2024-02-01.

Conditions:
Hereditary cancer-predisposing syndrome. Also called: Hereditary Cancer Syndrome; Tumor predisposition; Neoplastic Syndromes, Hereditary; Hereditary neoplastic syndrome. Identifiers: Orphanet 140162, MedGen C0027672, MeSH D009386, MONDO:0015356.
Multiple endocrine neoplasia, type 1 (MEN1). Also called: MEA I; MEN I; WERMER SYNDROME; Endocrine adenomatosis multiple; MEN 1. Identifiers: Orphanet 652, MedGen C0025267, MeSH D018761, MONDO:0007540, OMIM 131100.

gnomAD v4.1: 1 of 1,586,336 alleles (0.000063%); highest among the groups gnomAD compares: East Asian, 0.0023%; no homozygotes.

Submissions (2):

Labcorp Genetics (formerly Invitae), Labcorp
Classification: Uncertain significance for Multiple endocrine neoplasia, type 1. Last evaluated: 2024-02-01. Review status: criteria provided, single submitter. Criteria: Invitae Variant Classification Sherloc (09022015). Collection method: clinical testing. Allele origin: germline.
Comment: This sequence change replaces glutamine, which is neutral and polar, with lysine, which is basic and polar, at codon 64 of the MEN1 protein (p.Gln64Lys). This variant is not present in population databases (gnomAD no frequency). This variant has not been reported in the literature in individuals affected with MEN1-related conditions. Advanced modeling of protein sequence and biophysical properties (such as structural, functional, and spatial information, amino acid conservation, physicochemical variation, residue mobility, and thermodynamic stability) has been performed at Invitae for this missense variant, however the output from this modeling did not meet the statistical confidence thresholds required to predict the impact of this variant on MEN1 protein function. In summary, the available evidence is currently insufficient to determine the role of this variant in disease. Therefore, it has been classified as a Variant of Uncertain Significance.

Ambry Genetics
Classification: Uncertain significance for Hereditary cancer-predisposing syndrome. Last evaluated: 2023-02-12. Review status: criteria provided, single submitter. Criteria: Ambry Variant Classification Scheme 2023. Collection method: clinical testing. Allele origin: germline.
Comment: The p.Q64K variant (also known as c.190C>A), located in coding exon 1 of the MEN1 gene, results from a C to A substitution at nucleotide position 190. The glutamine at codon 64 is replaced by lysine, an amino acid with similar properties. This amino acid position is conserved. In addition, the in silico prediction for this alteration is inconclusive. Since supporting evidence is limited at this time, the clinical significance of this alteration remains unclear.